The following is an entry in ClinVar:

NM_001378452.1(ITPR1):c.6370A>G (p.Met2124Val)

Gene: ITPR1 (inositol 1,4,5-trisphosphate receptor type 1; plus strand). Cytogenetic location: 3p26.1.
Variant type: single nucleotide variant.
Coding change: c.6370A>G on transcript NM_001378452.1 (MANE Select); coding-DNA position 6370, A replaced by G.
Protein change: p.Met2124Val; replaces methionine 2124 with valine.
Molecular consequence: missense variant.
Genome position (GRCh38, 1-based): chr3:4,779,628, A>G. VCF-style: chr3-4779628-A-G. GRCh37 (hg19) VCF-style: chr3-4821312-A-G.
Other names: c.6181A>G (NM_002222.5); c.6226A>G, p.Met2076Val (NM_001099952.4); c.6325A>G, p.Met2109Val (NM_001168272.2); c.6181A>G, p.Met2061Val (NM_002222.7); short protein forms M2061V, M2124V, M2076V, M2109V.
Identifiers: ClinVar variation 2983193 (VCV002983193.4), dbSNP rs773310519, ClinGen allele CA2232565.

ClinVar aggregate classification (germline): Uncertain significance. Review status: criteria provided, multiple submitters, no conflicts (2 of 4 stars). 2 submissions from 2 submitters: Uncertain significance (2). Last evaluated 2023-09-20.

Conditions:
Inborn genetic diseases. Identifiers: MedGen C0950123, MeSH D030342.

Allele frequency attached by ClinVar (database versions not stated): gnomAD exomes below 0.00001; TOPMed below 0.00001; ExAC 0.00001; gnomAD 0.00001.
gnomAD v4.1: 3 of 1,608,984 alleles (0.00019%); highest among the groups gnomAD compares: Admixed American, 0.0017%; no homozygotes.

Submissions (2):

Ambry Genetics
Classification: Uncertain significance for Inborn genetic diseases. Last evaluated: 2023-09-20. Review status: criteria provided, single submitter. Criteria: Ambry Variant Classification Scheme 2023. Collection method: clinical testing. Allele origin: germline.

Labcorp Genetics (formerly Invitae), Labcorp
Classification: Uncertain significance. Last evaluated: 2023-02-03. Review status: criteria provided, single submitter. Criteria: Invitae Variant Classification Sherloc (09022015). Collection method: clinical testing. Allele origin: germline.
Comment: This sequence change replaces methionine, which is neutral and non-polar, with valine, which is neutral and non-polar, at codon 2061 of the ITPR1 protein (p.Met2061Val). In summary, the available evidence is currently insufficient to determine the role of this variant in disease. Therefore, it has been classified as a Variant of Uncertain Significance. Advanced modeling of protein sequence and biophysical properties (such as structural, functional, and spatial information, amino acid conservation, physicochemical variation, residue mobility, and thermodynamic stability) has been performed at Invitae for this missense variant, however the output from this modeling did not meet the statistical confidence thresholds required to predict the impact of this variant on ITPR1 protein function. This variant has not been reported in the literature in individuals affected with ITPR1-related conditions. This variant is present in population databases (rs773310519, gnomAD 0.003%).